The following is an entry in ClinVar:

NM_000488.4(SERPINC1):c.1322T>C (p.Leu441Pro)

Gene: SERPINC1 (serpin family C member 1; minus strand). Cytogenetic location: 1q25.1.
Variant type: single nucleotide variant.
Coding change: c.1322T>C on transcript NM_000488.4 (MANE Select); coding-DNA position 1322, T replaced by C.
Protein change: p.Leu441Pro; replaces leucine 441 with proline.
Molecular consequence: missense variant.
Genome position (GRCh38, 1-based): chr1:173,903,962, A>G on the plus strand (T>C on the coding strand, the complement: SERPINC1 is on the minus strand). VCF-style: chr1-173903962-A-G. GRCh37 (hg19) VCF-style: chr1-173873100-A-G.
Other names: c.1178T>C, p.Leu393Pro (NM_001365052.2); c.1445T>C, p.Leu482Pro (NM_001386302.1); c.1403T>C, p.Leu468Pro (NM_001386303.1); c.1301T>C, p.Leu434Pro (NM_001386304.1); c.1265T>C, p.Leu422Pro (NM_001386305.1); c.1106T>C, p.Leu369Pro (NM_001386306.1); short protein forms L369P, L434P, L482P, L422P, L393P, L468P, L441P.
Identifiers: ClinVar variation 3720258 (VCV003720258.2).

ClinVar aggregate classification (germline): Pathogenic (1 of 4 stars; one submission).

Conditions:
Hereditary antithrombin deficiency (AT3D). Also called: Thrombophilia due to antithrombin III deficiency; Reduced antithrombin III activity; Antithrombin III deficiency; Antithrombin deficiency. Identifiers: Orphanet 82, MedGen C0272375, MONDO:0013144, OMIM 613118, HP:0001976.

Submission:

Labcorp Genetics (formerly Invitae), Labcorp
Classification: Pathogenic for Hereditary antithrombin deficiency. Last evaluated: 2025-09-01. Review status: criteria provided, single submitter. Criteria: Invitae Variant Classification Sherloc (09022015). Collection method: clinical testing. Allele origin: germline.
Comment: This sequence change replaces leucine, which is neutral and non-polar, with proline, which is neutral and non-polar, at codon 441 of the SERPINC1 protein (p.Leu441Pro). This variant is not present in population databases (gnomAD no frequency). This missense change has been observed in individuals with antithrombin deficiency (PMID: 12894857, 28300866, 36214221). This variant is also known as 13344T>C, L409P. ClinVar contains an entry for this variant (Variation ID: 3720258). Invitae Evidence Modeling of protein sequence and biophysical properties (such as structural, functional, and spatial information, amino acid conservation, physicochemical variation, residue mobility, and thermodynamic stability) indicates that this missense variant is expected to disrupt SERPINC1 protein function with a positive predictive value of 95%. Experimental studies are conflicting or provide insufficient evidence to determine the effect of this variant on SERPINC1 function (PMID: 36214221). For these reasons, this variant has been classified as Pathogenic.

Literature cited by the submitters: PubMed 12894857; PubMed 28300866; PubMed 36214221.